The following is an entry in ClinVar:

NC_000019.9:g.(?_33167170)_(33167877_?)dup

Gene: RGS9BP (regulator of G protein signaling 9 binding protein; plus strand). Cytogenetic location: 19q13.11.
Variant type: Duplication.
Identifiers: ClinVar variation 2427780 (VCV002427780.4).

ClinVar aggregate classification (germline): Uncertain significance (1 of 4 stars; one submission).

Submission:

Labcorp Genetics (formerly Invitae), Labcorp
Classification: Uncertain significance. Last evaluated: 2022-05-15. Review status: criteria provided, single submitter. Criteria: Invitae Variant Classification Sherloc (09022015). Collection method: clinical testing. Allele origin: germline.
Comment: A copy number gain of the genomic region encompassing the full coding sequence of the RGS9BP gene has been identified. The boundaries of this event are unknown as they extend beyond the assayed region for this gene and therefore may encompass additional genes. As the precise location of this event is unknown, it may be in tandem or it may be located elsewhere in the genome. This variant has not been reported in the literature in individuals affected with RGS9BP-related conditions. In summary, the available evidence is currently insufficient to determine the role of this variant in disease. Therefore, it has been classified as a Variant of Uncertain Significance.